The following is an entry in ClinVar:

ClinVar aggregate classification (germline): Benign (1 of 4 stars; one submission).

Conditions:
Familial cancer of breast. Also called: Hereditary breast cancer; hereditary breast carcinoma; BREAST CANCER, FAMILIAL. Identifiers: Orphanet 227535, MedGen C0346153, MONDO:0016419, OMIM 114480. Disease mechanism: loss of function.

gnomAD v4.1: 1 of 1,614,042 alleles (0.000062%); highest among the groups gnomAD compares: Non-Finnish European, 0.000085%; no homozygotes.

Submission:

Myriad Genetics, Inc.
Classification: Benign for Familial cancer of breast. Last evaluated: 2025-01-09. Review status: criteria provided, single submitter. Criteria: Myriad Autosomal Dominant, Autosomal Recessive and X-Linked Classification Criteria (2023). Collection method: clinical testing. Allele origin: unknown.
Comment: This variant is considered benign. This variant is a silent/synonymous amino acid change and it is not expected to impact splicing.

NM_024675.4(PALB2):c.147G>A (p.Lys49=)

Gene: PALB2 (partner and localizer of BRCA2; minus strand). Cytogenetic location: 16p12.2.
Variant type: single nucleotide variant.
Coding change: c.147G>A on transcript NM_024675.4 (MANE Select); coding-DNA position 147, G replaced by A.
Protein change: p.Lys49=; no amino-acid change (lysine 49 retained).
Molecular consequence: synonymous variant. On other transcripts: 5 prime UTR variant (8), intron variant (3).
Genome position (GRCh38, 1-based): chr16:23,637,914, C>T on the plus strand (G>A on the coding strand, the complement: PALB2 is on the minus strand). VCF-style: chr16-23637914-C-T. GRCh37 (hg19) VCF-style: chr16-23649235-C-T.
Other names: c.87G>A, p.Lys29= (NM_001407296.1); c.147G>A, p.Lys49= (NM_001407297.1, NM_001407298.1, NM_001407299.1 and 3 more transcripts); c.-739G>A (NM_001407304.1, NM_001407305.1, NM_001407306.1 and 5 more transcripts); c.48+3196G>A (NM_001407314.1); c.-105+3196G>A (NM_001407313.1, NM_001407312.1).
Identifiers: ClinVar variation 3904218 (VCV003904218.1).
Genomic context (GRCh38, chr16:23,637,914, plus strand): 5'-GTGTTTTAGCTGCGGTGAGAGATCCTGCTGAGACAAACAATCTTGTTCTTCTACTGTTTT[C>T]TTAATAGAATGCTTAATCTTTTCAGCTCTTTGGGCACGCTAGAGGAGACAAAAACAGCCC-3'
Protein context (NP_078951.2, residues 39-59): QRAEKIKHSI[Lys49=]KTVEEQDCLS